The following is an entry in ClinVar:

ClinVar aggregate classification (germline): Uncertain significance (1 of 4 stars; one submission).

Conditions:
Frontotemporal dementia and/or amyotrophic lateral sclerosis 6 (FTDALS6). Also called: VCP-Related Amyotrophic Lateral Sclerosis; VCP-Related Amyotrophic Lateral Sclerosis/Frontotemporal Dementia. Identifiers: Orphanet 275872, Orphanet 803, MedGen C5436279, MONDO:0013501, OMIM 613954.
Inclusion body myopathy with Paget disease of bone and frontotemporal dementia. Also called: Inclusion body myopathy with early-onset Paget disease and frontotemporal dementia. Identifiers: Orphanet 52430, MedGen C1833662, MONDO:0000507.

Submission:

Labcorp Genetics (formerly Invitae), Labcorp
Classification: Uncertain significance for Inclusion body myopathy with Paget disease of bone and frontotemporal dementia; Frontotemporal dementia and/or amyotrophic lateral sclerosis 6. Last evaluated: 2022-07-12. Review status: criteria provided, single submitter. Criteria: Invitae Variant Classification Sherloc (09022015). Collection method: clinical testing. Allele origin: germline.
Comment: In summary, the available evidence is currently insufficient to determine the role of this variant in disease. Therefore, it has been classified as a Variant of Uncertain Significance. Advanced modeling of protein sequence and biophysical properties (such as structural, functional, and spatial information, amino acid conservation, physicochemical variation, residue mobility, and thermodynamic stability) performed at Invitae indicates that this missense variant is not expected to disrupt VCP protein function. This sequence change replaces alanine, which is neutral and non-polar, with glycine, which is neutral and non-polar, at codon 422 of the VCP protein (p.Ala422Gly). This variant is not present in population databases (gnomAD no frequency). This variant has not been reported in the literature in individuals affected with VCP-related conditions. ClinVar contains an entry for this variant (Variation ID: 1466584).

NM_007126.5(VCP):c.1265C>G (p.Ala422Gly)

Gene: VCP (valosin containing protein; minus strand). Cytogenetic location: 9p13.3.
Variant type: single nucleotide variant.
Coding change: c.1265C>G on transcript NM_007126.5 (MANE Select); coding-DNA position 1265, C replaced by G.
Protein change: p.Ala422Gly; replaces alanine 422 with glycine.
Molecular consequence: missense variant.
Genome position (GRCh38, 1-based): chr9:35,061,109, G>C on the plus strand (C>G on the coding strand, the complement: VCP is on the minus strand). VCF-style: chr9-35061109-G-C. GRCh37 (hg19) VCF-style: chr9-35061106-G-C.
Other names: c.1130C>G, p.Ala377Gly (NM_001354927.2, NM_001354928.2); short protein forms A422G, A377G.
Identifiers: ClinVar variation 1466584 (VCV001466584.6), dbSNP rs2131031304, ClinGen allele CA373282454.